The following is an entry in ClinVar:

NM_024422.6(DSC2):c.943-9del

Gene: DSC2 (desmocollin 2; minus strand). Cytogenetic location: 18q12.1.
Variant type: Deletion.
Coding change: c.943-9del on transcript NM_024422.6 (MANE Select); 9 bases into the intron before coding-DNA position 943, one base deleted (T; older notation c.943-9delT).
Molecular consequence: intron variant.
Genome position (GRCh38, 1-based): chr18:31,083,069, A deleted on the plus strand (T on the coding strand, the reverse complement: DSC2 is on the minus strand); the first of 7 consecutive A bases (chr18:31,083,069-31,083,075); deleting any one gives the same sequence. VCF-style (leftmost placement, unchanged base first): chr18-31083068-CA-C. GRCh37 (hg19) VCF-style: chr18-28663034-CA-C.
Other names: c.943-9del (NM_004949.5); c.514-9del (NM_001406506.1, NM_001406507.1).
Identifiers: ClinVar variation 3071360 (VCV003071360.1), dbSNP rs1987283946, ClinGen allele CA629136211.

ClinVar aggregate classification (germline): Uncertain significance (1 of 4 stars; one submission).

Conditions:
Familial isolated arrhythmogenic right ventricular dysplasia. Identifiers: Orphanet 217656, MedGen C4274968, MONDO:0016342.

Submission:

All of Us Research Program, National Institutes of Health
Classification: Uncertain significance for Familial isolated arrhythmogenic right ventricular dysplasia. Last evaluated: 2023-05-30. Review status: criteria provided, single submitter. Criteria: ACMG Guidelines, 2015. Collection method: clinical testing. Allele origin: germline. Inheritance: Autosomal dominant inheritance. Observed: 1 variant allele, 1 heterozygote.
Comment: This variant causes deletion of 1 nucleotide in intron 7 of the DSC2 gene. To our knowledge, functional studies have not been reported for this variant. This variant has not been reported in individuals affected with DSC2-related disorders in the literature. This variant has not been identified in the general population by the Genome Aggregation Database (gnomAD). The available evidence is insufficient to determine the role of this variant in disease conclusively. Therefore, this variant is classified as a Variant of Uncertain Significance.

This study involves interpretation of variants in research participants for the purpose of population health screening. Participant phenotype was not available at the time of variant classification. Additional details can be found in publication PMID: 35346344, PMCID: PMC8962531